The following is an entry in ClinVar:

ClinVar aggregate classification (germline): Uncertain significance. Review status: criteria provided, multiple submitters, no conflicts (2 of 4 stars). 5 submissions from 4 submitters: Uncertain significance (5). Last evaluated 2026-10-01.

Conditions:
MIRAGE syndrome. Also called: MYELODYSPLASIA, INFECTION, RESTRICTION OF GROWTH, ADRENAL HYPOPLASIA, GENITAL PHENOTYPES, AND ENTEROPATHY. Identifiers: Orphanet 494433, MedGen C4284088, MONDO:0014888, OMIM 617053.
Monosomy 7 myelodysplasia and leukemia syndrome 2. Identifiers: MedGen C5436668, MONDO:0030801, OMIM 619041.
SAMD9-related disorder. Also called: SAMD9-related condition.

Allele frequency attached by ClinVar (database versions not stated): gnomAD exomes 0.00002 and 0.00006; ExAC 0.00004; gnomAD 0.00005 and 0.00006; TOPMed 0.00005.

Submissions (5):

St. Jude Molecular Pathology, St. Jude Children's Research Hospital
Classification: Uncertain significance for Monosomy 7 myelodysplasia and leukemia syndrome 2. Last evaluated: 2026-10-01. Review status: criteria provided, single submitter. Criteria: St. Jude Assertion Criteria 2020. Collection method: clinical testing. Allele origin: germline.
Comment: The SAMD9 c.2053C>T p.(Arg685Ter) change is a nonsense variant that is predicted to cause premature protein truncation, however the functional significance of this variant is currently unknown. This variant has a maximum subpopulation frequency of 0.026% in gnomAD v2.1.1. These variants were determined to be on the same allele, and the p.Arg685Ter functioned as a second-site r eversion mutation to undo the cellular growth repression caused by the germline SAMD9 variant. In summary, the evidence currently available is insufficient to determine the clinical significance of this variant. It has therefore been classified as of uncertain significance.

Labcorp Genetics (formerly Invitae), Labcorp
Classification: Uncertain significance. Last evaluated: 2025-12-16. Review status: criteria provided, single submitter. Criteria: Invitae Variant Classification Sherloc (09022015). Collection method: clinical testing. Allele origin: germline.
Comment: This sequence change creates a premature translational stop signal (p.Arg685*) in the SAMD9 gene. While this is not anticipated to result in nonsense mediated decay, it is expected to disrupt the last 905 amino acid(s) of the SAMD9 protein. This variant is present in population databases (rs763070754, gnomAD 0.03%). This premature translational stop signal has been observed in individual(s) with SAMD9-related conditions (PMID: 34732400). ClinVar contains an entry for this variant (Variation ID: 1043583). Experimental studies and prediction algorithms are not available or were not evaluated, and the functional significance of this variant is currently unknown. In summary, the available evidence is currently insufficient to determine the role of this variant in disease. Therefore, it has been classified as a Variant of Uncertain Significance.

GeneDx
Classification: Uncertain significance. Last evaluated: 2025-04-03. Review status: criteria provided, single submitter. Criteria: GeneDx Variant Classification Process June 2021. Collection method: clinical testing. Allele origin: germline.
Comment: Nonsense variant predicted to result in protein truncation as the last 905 amino acid(s) are lost with an unclear effect on protein function; Identified as a de novo variant in a patient with suspected mitochondrial disorder; however, detailed clinical information was not provided (PMID: 34732400); This variant is associated with the following publications: (PMID: 29175836, 34732400, 28545555)

PreventionGenetics, part of Exact Sciences
Classification: Uncertain significance for SAMD9-related condition. Last evaluated: 2022-11-04. Review status: criteria provided, single submitter. Criteria: ACMG Guidelines, 2015. Collection method: clinical testing. Allele origin: germline.
Comment: The SAMD9 c.2053C>T variant is predicted to result in premature protein termination (p.Arg685*). This variant has been reported as arising de novo in an individual with intellectual disability (Supp. Table G in Schon et al. 2021. PubMed ID: 34732400). However, this variant is also reported in 0.026% of alleles in individuals of Latino descent in gnomAD. At this time, the clinical significance of this variant is uncertain due to the absence of conclusive functional and genetic evidence.

St. Jude Molecular Pathology, St. Jude Children's Research Hospital
Classification: Uncertain significance for MIRAGE syndrome. Last evaluated: 2022-08-17. Review status: criteria provided, single submitter. Criteria: St. Jude Assertion Criteria 2020. Collection method: clinical testing. Allele origin: germline.
Comment: The SAMD9 c.2053C>T (p.Arg685Ter) change is a nonsense variant that is predicted to cause premature protein truncation, however the functional significance of this variant is currently unknown. This variant has a maximum subpopulation frequency of 0.026% in gnomAD v2.1.1. These variants were determined to be on the same allele, and the p.Arg685Ter functioned as a second-site reversion mutation to undo the cellular growth repression caused by the germline SAMD9 variant. In summary, the evidence currently available is insufficient to determine the clinical significance of this variant. It has therefore been classified as of uncertain significance.

Literature cited by the submitters: PubMed 34732400 (cited by Labcorp Genetics (formerly Invitae), Labcorp).

NM_017654.4(SAMD9):c.2053C>T (p.Arg685Ter)

Gene: SAMD9 (sterile alpha motif domain containing 9; minus strand). Cytogenetic location: 7q21.2.
Variant type: single nucleotide variant.
Coding change: c.2053C>T on transcript NM_017654.4 (MANE Select); coding-DNA position 2053, C replaced by T.
Protein change: p.Arg685Ter; replaces arginine 685 with a stop codon.
Molecular consequence: nonsense.
Genome position (GRCh38, 1-based): chr7:93,104,045, G>A on the plus strand (C>T on the coding strand, the complement: SAMD9 is on the minus strand). VCF-style: chr7-93104045-G-A. GRCh37 (hg19) VCF-style: chr7-92733358-G-A.
Other names: c.2053C>T, p.Arg685Ter (NM_001193307.2); short protein forms R685*.
Identifiers: ClinVar variation 1043583 (VCV001043583.9), dbSNP rs763070754, ClinGen allele CA4342898.